The following is an entry in ClinVar:

NM_001267550.2(TTN):c.95848G>A (p.Glu31950Lys)

Genes: TTN (titin; minus strand), TTN-AS1 (TTN antisense RNA 1; plus strand). Cytogenetic location: 2q31.2.
Variant type: single nucleotide variant.
Coding change: c.95848G>A on transcript NM_001267550.2 (MANE Select); coding-DNA position 95848, G replaced by A.
Protein change: p.Glu31950Lys; replaces glutamic acid 31950 with lysine.
Molecular consequence: missense variant.
Genome position (GRCh38, 1-based): chr2:178,544,381, C>T on the plus strand (G>A on the coding strand, the complement: TTN is on the minus strand). VCF-style: chr2-178544381-C-T. GRCh37 (hg19) VCF-style: chr2-179409108-C-T.
Other names: c.88144G>A, p.Glu29382Lys (NM_133378.4); c.90925G>A, p.Glu30309Lys (NM_001256850.1); c.68653G>A, p.Glu22885Lys (NM_003319.4); c.69028G>A, p.Glu23010Lys (NM_133432.3); c.69229G>A, p.Glu23077Lys (NM_133437.4); short protein forms E29382K, E31950K, E23010K, E23077K, E30309K, E22885K.
Identifiers: ClinVar variation 179891 (VCV000179891.5), dbSNP rs727505199, ClinGen allele CA185362.

ClinVar aggregate classification (germline): Uncertain significance (1 of 4 stars; one submission).

Allele frequency attached by ClinVar (database versions not stated): gnomAD exomes below 0.00001; TOPMed 0.00001.
gnomAD v4.1: 2 of 1,613,726 alleles (0.00012%); highest among the groups gnomAD compares: African/African-American, 0.0013%; no homozygotes.

Submission:

Laboratory for Molecular Medicine, Mass General Brigham Personalized Medicine
Classification: Uncertain significance. Last evaluated: 2014-08-07. Review status: criteria provided, single submitter. Criteria: LMM Criteria. Collection method: clinical testing. Allele origin: germline. Observed: 1 variant allele.
Comment: Variant classified as Uncertain Significance - Favor Benign. The Glu29382Lys var iant in TTN has not been previously reported in individuals with cardiomyopathy or in large population studies. Glutamic acid (Glu) at position 29382 is conserv ed in most mammals and evolutionarily distant species except for 1 primate (gori lla), which carries a lysine (Lys) at this position raising the possibility that this change may be tolerated. Additional computational prediction tools do not provide strong support for or against an impact to the protein. In summary, whil e the clinical significance of the Glu29382Lys variant is uncertain, the presenc e of the variant amino acid in other primates suggests that it is more likely to be benign.